The following is an entry in ClinVar:

ClinVar aggregate classification (germline): Uncertain significance (1 of 4 stars; one submission).

Conditions:
Hereditary cancer-predisposing syndrome. Also called: Hereditary Cancer Syndrome; Neoplastic Syndromes, Hereditary; Tumor predisposition; Hereditary neoplastic syndrome. Identifiers: Orphanet 140162, MedGen C0027672, MeSH D009386, MONDO:0015356.

Submission:

Ambry Genetics
Classification: Uncertain significance for Hereditary cancer-predisposing syndrome. Last evaluated: 2026-07-27. Review status: criteria provided, single submitter. Criteria: Ambry Variant Classification Scheme 2023. Collection method: clinical testing. Allele origin: germline.
Comment: The p.R1496S variant (also known as c.4488A>T), located in coding exon 29 of the ALK gene, results from an A to T substitution at nucleotide position 4488. The arginine at codon 1496 is replaced by serine, an amino acid with dissimilar properties. This amino acid position is conserved. In addition, the in silico prediction for this alteration is inconclusive. Based on the available evidence, the clinical significance of this variant remains unclear.

NM_004304.5(ALK):c.4488A>T (p.Arg1496Ser)

Gene: ALK (ALK receptor tyrosine kinase; minus strand). Cytogenetic location: 2p23.2.
Variant type: single nucleotide variant.
Coding change: c.4488A>T on transcript NM_004304.5 (MANE Select); coding-DNA position 4488, A replaced by T.
Protein change: p.Arg1496Ser; replaces arginine 1496 with serine.
Molecular consequence: missense variant.
Genome position (GRCh38, 1-based): chr2:29,193,599, T>A on the plus strand (A>T on the coding strand, the complement: ALK is on the minus strand). VCF-style: chr2-29193599-T-A. GRCh37 (hg19) VCF-style: chr2-29416465-T-A.
Other names: c.1284A>T, p.Arg428Ser (NM_001353765.2); short protein forms R1496S, R428S.
Identifiers: ClinVar variation 5035374 (VCV005035374.1).
Genomic context (GRCh38, chr2:29,193,599, plus strand): 5'-GGTGGGTTTCTCTGTAAACCAGGAGCCGTACGTTGGGTTCCACAAGCTGGTGGGCTTGTT[T>A]CTGGATCCGTGGACCTTGTGCAACTCCGAAGGAGGGTTGGACTGAGAGAATGCCATATTC-3'
Protein context (NP_004295.2, residues 1486-1506): PSELHKVHGS[Arg1496Ser]NKPTSLWNPT